The following is an entry in ClinVar:

NM_000143.4(FH):c.1391-3C>G

Gene: FH (fumarate hydratase; minus strand). Cytogenetic location: 1q43.
Variant type: single nucleotide variant.
Coding change: c.1391-3C>G on transcript NM_000143.4 (MANE Select); 3 bases into the intron before coding-DNA position 1391, C replaced by G.
Molecular consequence: intron variant.
Genome position (GRCh38, 1-based): chr1:241,497,973, G>C on the plus strand (C>G on the coding strand, the complement: FH is on the minus strand). VCF-style: chr1-241497973-G-C. GRCh37 (hg19) VCF-style: chr1-241661273-G-C.
Identifiers: ClinVar variation 5021697 (VCV005021697.1).
Genomic context (GRCh38, chr1:241,497,973, plus strand): 5'-TTTAAGGTTGATCCATTTTTGTGTGCTGTCTTAGCAATCTTTGCTGCCTTGTCATACCCT[G>C]AAGAAAAAATAAAAAGACGACATATGGGTTAGCAGTGATATTTGGTTTCCTAAAGCAAAA-3'

ClinVar aggregate classification (germline): Uncertain significance (1 of 4 stars; one submission).

Conditions:
Hereditary cancer-predisposing syndrome. Also called: Neoplastic Syndromes, Hereditary; Tumor predisposition; Hereditary neoplastic syndrome; Hereditary Cancer Syndrome. Identifiers: Orphanet 140162, MedGen C0027672, MeSH D009386, MONDO:0015356.

Submission:

Ambry Genetics
Classification: Uncertain significance for Hereditary cancer-predisposing syndrome. Last evaluated: 2026-07-09. Review status: criteria provided, single submitter. Criteria: Ambry Variant Classification Scheme 2023. Collection method: clinical testing. Allele origin: germline.
Comment: The c.1391-3C>G intronic variant results from a C to G substitution 3 nucleotides upstream from coding exon 10 in the FH gene. This nucleotide position is not well conserved in available vertebrate species. In silico splice site analysis predicts that this alteration may weaken the native splice acceptor site; however, direct evidence is insufficient at this time (Ambry internal data). Based on the available evidence, the clinical significance of this variant remains unclear.